The following is an entry in ClinVar:

NM_000179.3(MSH6):c.164_182del (p.Pro55fs)

Gene: MSH6 (mutS homolog 6; plus strand). Cytogenetic location: 2p16.3.
Variant type: Deletion.
Coding change: c.164_182del on transcript NM_000179.3 (MANE Select); coding-DNA positions 164 to 182, 19 bases deleted (CTGGGCCCAGGCCCTTGGC).
Protein change: p.Pro55fs; shifts the reading frame from proline 55.
Molecular consequence: frameshift variant. On other transcripts: 5 prime UTR variant (7), non-coding transcript variant (5), intron variant (5).
Genome position (GRCh38, 1-based): chr2:47,783,397-47,783,415, CTGGGCCCAGGCCCTTGGC deleted; deleting any 19 consecutive bases within chr2:47,783,394-47,783,415 gives the same sequence; the c. name uses the placement nearest the transcript's 3' end. VCF-style (leftmost placement, unchanged base first): chr2-47783393-GGGCCTGGGCCCAGGCCCTT-G. GRCh37 (hg19) VCF-style: chr2-48010532-GGGCCTGGGCCCAGGCCCTT-G.
Other names: c.164_182del, p.Pro55fs (NM_001281492.2, NM_001406795.1, NM_001406796.1 and 9 more transcripts); c.-573_-555del (NM_001281493.2, NM_001406811.1); c.-165_-147del (NM_001406799.1); c.109_127del, p.Leu37fs (NM_001406804.1); c.-765_-747del (NM_001406807.1); c.-420_-402del (NM_001406812.1); c.-831_-813del (NM_001406814.1); c.-376_-358del (NM_001406816.1); and 3 more; short protein forms L37fs, P55fs.
Identifiers: ClinVar variation 2673720 (VCV002673720.1), dbSNP rs2530319768, ClinGen allele CA2695200728.
Genomic context (GRCh38, chr2:47,783,393, plus strand): 5'-GCCGCCGCTGCCCCCGGGGCCTCTCCTTCCCCAGGCGGGGATGCGGCCTGGAGCGAGGCT[GGGCCTGGGCCCAGGCCCTT>G]GGCGCGCTCCGCGTCACCGCCCAAGGCGAAGAACCTCAACGGAGGGCTGCGGAGATCGGT-3'

ClinVar aggregate classification (germline): Pathogenic (1 of 4 stars; one submission).

Conditions:
Lynch syndrome 5 (LYNCH5). Also called: Colorectal cancer, hereditary nonpolyposis, type 5; Hereditary non-polyposis colorectal cancer, type 5. Identifiers: Orphanet 144, MedGen C1833477, MONDO:0013710, OMIM 614350. Disease mechanism: loss of function.

Submission:

Myriad Genetics, Inc.
Classification: Pathogenic for Lynch syndrome 5. Last evaluated: 2023-08-09. Review status: criteria provided, single submitter. Criteria: Myriad Autosomal Dominant, Autosomal Recessive and X-Linked Classification Criteria (2023). Collection method: clinical testing. Allele origin: unknown.
Comment: This variant is considered pathogenic. This variant creates a frameshift predicted to result in premature protein truncation.